The following is an entry in ClinVar:

ClinVar aggregate classification (germline): Uncertain significance (1 of 4 stars; one submission).

Conditions:
Perlman syndrome (PRLMNS). Identifiers: Orphanet 2849, MedGen C0796113, MONDO:0009965, OMIM 267000.

Submission:

Labcorp Genetics (formerly Invitae), Labcorp
Classification: Uncertain significance for Perlman syndrome. Last evaluated: 2023-11-13. Review status: criteria provided, single submitter. Criteria: Invitae Variant Classification Sherloc (09022015). Collection method: clinical testing. Allele origin: germline.
Comment: This sequence change replaces serine, which is neutral and polar, with isoleucine, which is neutral and non-polar, at codon 522 of the DIS3L2 protein (p.Ser522Ile). This variant is not present in population databases (gnomAD no frequency). This variant has not been reported in the literature in individuals affected with DIS3L2-related conditions. Advanced modeling of protein sequence and biophysical properties (such as structural, functional, and spatial information, amino acid conservation, physicochemical variation, residue mobility, and thermodynamic stability) performed at Invitae indicates that this missense variant is not expected to disrupt DIS3L2 protein function with a negative predictive value of 80%. In summary, the available evidence is currently insufficient to determine the role of this variant in disease. Therefore, it has been classified as a Variant of Uncertain Significance.

NM_152383.5(DIS3L2):c.1565G>T (p.Ser522Ile)

Gene: DIS3L2 (DIS3 like 3'-5' exoribonuclease 2; plus strand). Cytogenetic location: 2q37.1.
Variant type: single nucleotide variant.
Coding change: c.1565G>T on transcript NM_152383.5 (MANE Select); coding-DNA position 1565, G replaced by T.
Protein change: p.Ser522Ile; replaces serine 522 with isoleucine.
Molecular consequence: missense variant. On other transcripts: non-coding transcript variant (2).
Genome position (GRCh38, 1-based): chr2:232,263,346, G>T. VCF-style: chr2-232263346-G-T. GRCh37 (hg19) VCF-style: chr2-233128056-G-T.
Other names: c.1565G>T, p.Ser522Ile (NM_001257281.2); short protein forms S522I.
Identifiers: ClinVar variation 2695418 (VCV002695418.3), dbSNP rs532703173, ClinGen allele CA350975538.